The following is an entry in ClinVar:

ClinVar aggregate classification (germline): Uncertain significance. Review status: criteria provided, multiple submitters, no conflicts (2 of 4 stars). 3 submissions from 3 submitters: Uncertain significance (3). Last evaluated 2025-03-18.

Conditions:
Epidermolysis bullosa simplex, Ogna type (EBS5A). Also called: Pidermolysis bullosa simplex 5A, Ogna type; EPIDERMOLYSIS BULLOSA SIMPLEX 5A, OGNA TYPE. Identifiers: Orphanet 79401, MedGen C0432317, MONDO:0007555, OMIM 131950.
Epidermolysis bullosa simplex 5C, with pyloric atresia (EBS5C). Also called: PLEC-Related Epidermolysis Bullosa with Pyloric Atresia; Epidermolysis bullosa simplex with pyloric atresia; PLEC1-Related Epidermolysis Bullosa with Pyloric Atresia. Identifiers: Orphanet 158684, MedGen C2677349, MONDO:0012807, OMIM 612138.
Autosomal recessive limb-girdle muscular dystrophy type 2Q (LGMDR17). Also called: MUSCULAR DYSTROPHY, LIMB-GIRDLE, AUTOSOMAL RECESSIVE 17. Identifiers: Orphanet 254361, MedGen C3150989, MONDO:0013390, OMIM 613723.
Epidermolysis bullosa simplex 5B, with muscular dystrophy (EBS5B). Also called: EPIDERMOLYSIS BULLOSA SIMPLEX AND LIMB-GIRDLE MUSCULAR DYSTROPHY; Epidermolysis bullosa simplex with muscular dystrophy. Identifiers: Orphanet 257, MedGen C2931072, MONDO:0009181, OMIM 226670.
Epidermolysis bullosa simplex with nail dystrophy (EBS5D). Identifiers: MedGen C4225309, MONDO:0014661, OMIM 616487.

Allele frequency attached by ClinVar (database versions not stated): gnomAD 0.00003 and 0.00005; TOPMed 0.00003; gnomAD exomes 0.00007; ExAC 0.00011; ESP Exome Variant Server 0.00016; 1000 Genomes Project 0.00040; 1000 Genomes Project 30x 0.00047.
gnomAD v4.1: 93 of 1,598,680 alleles (0.0058%); highest among the groups gnomAD compares: South Asian, 0.04%; 2 homozygotes.

Submissions (3):

Labcorp Genetics (formerly Invitae), Labcorp
Classification: Uncertain significance for Autosomal recessive limb-girdle muscular dystrophy type 2Q; Epidermolysis bullosa simplex, Ogna type; Epidermolysis bullosa simplex with nail dystrophy; Epidermolysis bullosa simplex 5C, with pyloric atresia; Epidermolysis bullosa simplex 5B, with muscular dystrophy. Last evaluated: 2025-03-18. Review status: criteria provided, single submitter. Criteria: Invitae Variant Classification Sherloc (09022015). Collection method: clinical testing. Allele origin: germline.
Comment: This sequence change replaces alanine, which is neutral and non-polar, with threonine, which is neutral and polar, at codon 1966 of the PLEC protein (p.Ala1966Thr). This variant is present in population databases (rs375422079, gnomAD 0.04%), including at least one homozygous and/or hemizygous individual. This variant has not been reported in the literature in individuals affected with PLEC-related conditions. ClinVar contains an entry for this variant (Variation ID: 290635). Experimental studies and prediction algorithms are not available or were not evaluated, and the functional significance of this variant is currently unknown. In summary, the available evidence is currently insufficient to determine the role of this variant in disease. Therefore, it has been classified as a Variant of Uncertain Significance.

Revvity Omics, Revvity
Classification: Uncertain significance. Last evaluated: 2024-10-16. Review status: criteria provided, single submitter. Criteria: ACMG Guidelines, 2015. Collection method: clinical testing. Allele origin: germline.

Eurofins Ntd Llc (ga)
Classification: Uncertain significance. Last evaluated: 2017-11-09. Review status: criteria provided, single submitter. Criteria: EGL Classification Definitions 2015. Collection method: clinical testing. Allele origin: germline. Observed: 3 variant alleles, 3 heterozygotes.

NM_201384.3(PLEC):c.5815G>A (p.Ala1939Thr)

Gene: PLEC (plectin; minus strand). Cytogenetic location: 8q24.3.
Variant type: single nucleotide variant.
Coding change: c.5815G>A on transcript NM_201384.3 (MANE Select); coding-DNA position 5815, G replaced by A.
Protein change: p.Ala1939Thr; replaces alanine 1939 with threonine.
Molecular consequence: missense variant.
Genome position (GRCh38, 1-based): chr8:143,924,114, C>T on the plus strand (G>A on the coding strand, the complement: PLEC is on the minus strand). VCF-style: chr8-143924114-C-T. GRCh37 (hg19) VCF-style: chr8-144998282-C-T.
Other names: c.5896G>A, p.Ala1966Thr (NM_000445.5); c.5773G>A, p.Ala1925Thr (NM_201378.4); c.5749G>A, p.Ala1917Thr (NM_201379.3); c.6226G>A, p.Ala2076Thr (NM_201380.4); c.5719G>A, p.Ala1907Thr (NM_201381.3); c.5815G>A, p.Ala1939Thr (NM_201382.4); c.5827G>A, p.Ala1943Thr (NM_201383.3); short protein forms A1966T, A1917T, A1907T, A1939T, A1943T, A1925T, A2076T.
Identifiers: ClinVar variation 290635 (VCV000290635.12), dbSNP rs375422079, ClinGen allele CA4926229.